The following is an entry in ClinVar:

NM_000214.3(JAG1):c.203G>A (p.Arg68His)

Gene: JAG1 (jagged canonical Notch ligand 1; minus strand). Cytogenetic location: 20p12.2.
Variant type: single nucleotide variant.
Coding change: c.203G>A on transcript NM_000214.3 (MANE Select); coding-DNA position 203, G replaced by A.
Protein change: p.Arg68His; replaces arginine 68 with histidine.
Molecular consequence: missense variant.
Genome position (GRCh38, 1-based): chr20:10,672,885, C>T on the plus strand (G>A on the coding strand, the complement: JAG1 is on the minus strand). VCF-style: chr20-10672885-C-T. GRCh37 (hg19) VCF-style: chr20-10653533-C-T.
Other names: short protein forms R68H.
Identifiers: ClinVar variation 3717320 (VCV003717320.2).

ClinVar aggregate classification (germline): Uncertain significance (1 of 4 stars; one submission).

Conditions:
Alagille syndrome due to a JAG1 point mutation. Also called: Alagille Syndrome 1; JAG1-Related Alagille Syndrome; HEPATIC DUCTULAR HYPOPLASIA, SYNDROMATIC. Identifiers: Orphanet 261619, Orphanet 52, MedGen C1956125, MONDO:0016862, OMIM 118450.

Submission:

Labcorp Genetics (formerly Invitae), Labcorp
Classification: Uncertain significance for Alagille syndrome due to a JAG1 point mutation. Last evaluated: 2024-09-15. Review status: criteria provided, single submitter. Criteria: Invitae Variant Classification Sherloc (09022015). Collection method: clinical testing. Allele origin: germline.
Comment: This sequence change replaces arginine, which is basic and polar, with histidine, which is basic and polar, at codon 68 of the JAG1 protein (p.Arg68His). This variant is not present in population databases (gnomAD no frequency). This variant has not been reported in the literature in individuals affected with JAG1-related conditions. Invitae Evidence Modeling of protein sequence and biophysical properties (such as structural, functional, and spatial information, amino acid conservation, physicochemical variation, residue mobility, and thermodynamic stability) indicates that this missense variant is not expected to disrupt JAG1 protein function with a negative predictive value of 95%. In summary, the available evidence is currently insufficient to determine the role of this variant in disease. Therefore, it has been classified as a Variant of Uncertain Significance.